The following is an entry in ClinVar:

ClinVar aggregate classification (germline): Likely benign (1 of 4 stars; one submission).

Allele frequency attached by ClinVar (database versions not stated): 1000 Genomes Project 0.00160; 1000 Genomes Project 30x 0.00187; TOPMed 0.00436; gnomAD 0.00536.

Submission:

CeGaT Center for Human Genetics Tuebingen
Classification: Likely benign. Last evaluated: 2023-10-01. Review status: criteria provided, single submitter. Criteria: CeGaT Center For Human Genetics Tuebingen Variant Classification Criteria Version 2. Collection method: clinical testing. Allele origin: germline. Affected: yes. Observed: 1 variant allele.
Comment: MEG3: BS2

NR_046473.1(MEG3):n.9148A>G

Gene: MEG3 (maternally expressed 3; plus strand). Cytogenetic location: 14q32.2.
Variant type: single nucleotide variant.
Molecular consequence: non-coding transcript variant (on NR_046473.1).
Genome position: GRCh38 VCF-style: chr14-100853764-A-G. GRCh37 (hg19) VCF-style: chr14-101320101-A-G.
Identifiers: ClinVar variation 2644544 (VCV002644544.24), dbSNP rs143424614, ClinGen allele CA266872440.